The following is an entry in ClinVar:

NM_022765.4(MICAL1):c.2185G>T (p.Ala729Ser)

Gene: MICAL1 (microtubule associated monooxygenase, calponin and LIM domain containing 1; minus strand). Cytogenetic location: 6q21.
Variant type: single nucleotide variant.
Coding change: c.2185G>T on transcript NM_022765.4 (MANE Select); coding-DNA position 2185, G replaced by T.
Protein change: p.Ala729Ser; replaces alanine 729 with serine.
Molecular consequence: missense variant.
Genome position (GRCh38, 1-based): chr6:109,447,115, C>A on the plus strand (G>T on the coding strand, the complement: MICAL1 is on the minus strand). VCF-style: chr6-109447115-C-A. GRCh37 (hg19) VCF-style: chr6-109768318-C-A.
Other names: c.1927G>T, p.Ala643Ser (NM_001159291.2); c.2242G>T, p.Ala748Ser (NM_001286613.2); short protein forms A729S, A748S, A643S.
Identifiers: ClinVar variation 3022504 (VCV003022504.3), dbSNP rs978150097, ClinGen allele CA365225362.
Genomic context (GRCh38, chr6:109,447,115, plus strand): 5'-TCTCCCAGGCCCACTCACCATCTCCTGGGTGCTGCTCGTAGCCACCTGGCCACAGTGTGG[C>A]CTCACAGGTATGGCAGCGGAAGCAGCTCCGGTGGAAGAAATGGCCGTTGACACAGAGGCG-3'
Protein context (NP_073602.3, residues 719-739): RSCFRCHTCE[Ala729Ser]TLWPGGYEQH

ClinVar aggregate classification (germline): Uncertain significance (1 of 4 stars; one submission).

Submission:

Labcorp Genetics (formerly Invitae), Labcorp
Classification: Uncertain significance. Last evaluated: 2024-10-23. Review status: criteria provided, single submitter. Criteria: Invitae Variant Classification Sherloc (09022015). Collection method: clinical testing. Allele origin: germline.
Comment: This sequence change replaces alanine, which is neutral and non-polar, with serine, which is neutral and polar, at codon 748 of the MICAL1 protein (p.Ala748Ser). This variant is not present in population databases (gnomAD no frequency). This variant has not been reported in the literature in individuals affected with MICAL1-related conditions. An algorithm developed to predict the effect of missense changes on protein structure and function (PolyPhen-2) suggests that this variant is likely to be tolerated. In summary, the available evidence is currently insufficient to determine the role of this variant in disease. Therefore, it has been classified as a Variant of Uncertain Significance.